The following is an entry in ClinVar:

ClinVar aggregate classification (germline): Uncertain significance (1 of 4 stars; one submission).

Allele frequency attached by ClinVar (database versions not stated): ESP Exome Variant Server 0.00008; 1000 Genomes Project 30x 0.00031; 1000 Genomes Project 0.00040.
gnomAD v4.1: 111 of 1,613,762 alleles (0.0069%); highest among the groups gnomAD compares: Admixed American, 0.025%; no homozygotes.

Submission:

Labcorp Genetics (formerly Invitae), Labcorp
Classification: Uncertain significance. Last evaluated: 2025-10-01. Review status: criteria provided, single submitter. Criteria: Invitae Variant Classification Sherloc (09022015). Collection method: clinical testing. Allele origin: germline.
Comment: This sequence change falls in intron 24 of the ADGRB2 gene. It does not directly change the encoded amino acid sequence of the ADGRB2 protein. It affects a nucleotide within the consensus splice site. This variant is present in population databases (rs12409382, gnomAD 0.03%). This variant has not been reported in the literature in individuals affected with ADGRB2-related conditions. ClinVar contains an entry for this variant (Variation ID: 1429532). Variants that disrupt the consensus splice site are a relatively common cause of aberrant splicing (PMID: 17576681, 9536098). Algorithms developed to predict the effect of sequence changes on RNA splicing suggest that this variant is not likely to affect RNA splicing. In summary, the available evidence is currently insufficient to determine the role of this variant in disease. Therefore, it has been classified as a Variant of Uncertain Significance.

Literature cited by the submitters: PubMed 17576681; PubMed 9536098.

NM_001364857.2(ADGRB2):c.3353+6G>C

Gene: ADGRB2 (adhesion G protein-coupled receptor B2; minus strand). Cytogenetic location: 1p35.2.
Variant type: single nucleotide variant.
Coding change: c.3353+6G>C on transcript NM_001364857.2 (MANE Select); 6 bases into the intron after coding-DNA position 3353, G replaced by C.
Molecular consequence: intron variant.
Genome position (GRCh38, 1-based): chr1:31,735,574, C>G on the plus strand (G>C on the coding strand, the complement: ADGRB2 is on the minus strand). VCF-style: chr1-31735574-C-G. GRCh37 (hg19) VCF-style: chr1-32201175-C-G.
Other names: c.3353+6G>C (NM_001294336.2, NM_001294335.2).
Identifiers: ClinVar variation 1429532 (VCV001429532.6), dbSNP rs12409382, ClinGen allele CA735354.